The following is an entry in ClinVar:

NM_001080397.3(SLC45A1):c.2001C>T (p.Asp667=)

Gene: SLC45A1 (solute carrier family 45 member 1; plus strand). Cytogenetic location: 1p36.23.
Variant type: single nucleotide variant.
Coding change: c.2001C>T on transcript NM_001080397.3 (MANE Select); coding-DNA position 2001, C replaced by T.
Protein change: p.Asp667=; no amino-acid change (aspartic acid 667 retained).
Molecular consequence: synonymous variant.
Genome position (GRCh38, 1-based): chr1:8,343,767, C>T. VCF-style: chr1-8343767-C-T. GRCh37 (hg19) VCF-style: chr1-8403827-C-T.
Other names: c.2025C>T, p.Asp675= (NM_001379614.1); c.1932C>T, p.Asp644= (NM_001379615.1); c.1908C>T, p.Asp636= (NM_001379616.1); c.1419C>T, p.Asp473= (NM_001379617.1); c.1395C>T, p.Asp465= (NM_001379618.1).
Identifiers: ClinVar variation 3025164 (VCV003025164.22), dbSNP rs758053456, ClinGen allele CA570612.
Genomic context (GRCh38, chr1:8,343,767, plus strand): 5'-CGCGGCGTGTCTCGCTGACACGTTTCTTCCTCTGGGTCAGTTTGCAGGGTCCAGTGCGGA[C>T]GGCACCCGGCGGGGCATGGGCGTGGACATCTCTCTGCTGAGCTGCCAGTACTTCCTGGCT-3'
Protein context (NP_001073866.3, residues 657-677): QSKKFAGSSA[Asp667=]GTRRGMGVDI

ClinVar aggregate classification (germline): Likely benign (1 of 4 stars; one submission).

Allele frequency attached by ClinVar (database versions not stated): ExAC 0.00001.

Submission:

CeGaT Center for Human Genetics Tuebingen
Classification: Likely benign. Last evaluated: 2024-02-01. Review status: criteria provided, single submitter. Criteria: CeGaT Center For Human Genetics Tuebingen Variant Classification Criteria Version 2. Collection method: clinical testing. Allele origin: germline. Affected: yes. Observed: 1 variant allele.
Comment: SLC45A1: BP4, BP7